The following is an entry in ClinVar:

ClinVar aggregate classification (germline): Likely benign. Review status: criteria provided, multiple submitters, no conflicts (2 of 4 stars). 2 submissions from 2 submitters: Likely benign (2). Last evaluated 2025-11-20.

Conditions:
Osteogenesis imperfecta type I (OI1). Also called: OI, TYPE I; OSTEOGENESIS IMPERFECTA TARDA; OSTEOGENESIS IMPERFECTA WITH BLUE SCLERAE; Osteogenesis imperfecta type 1; Lobstein's Disease; Lobstein disease. Identifiers: Orphanet 216796, Orphanet 666, MedGen C0023931, MONDO:0008146, OMIM 166200. Disease mechanism: loss of function.

gnomAD v4.1: 5 of 1,613,606 alleles (0.00031%); highest among the groups gnomAD compares: Non-Finnish European, 0.00042%; no homozygotes.

Submissions (2):

Mayo Clinic Laboratories, Mayo Clinic
Classification: Likely benign. Last evaluated: 2025-11-20. Review status: criteria provided, single submitter. Criteria: ACMG Guidelines, 2015. Collection method: clinical testing. Allele origin: germline. Observed: 1 variant allele.
Comment: BP4, BP7

Labcorp Genetics (formerly Invitae), Labcorp
Classification: Likely benign for Osteogenesis imperfecta type I. Last evaluated: 2025-05-21. Review status: criteria provided, single submitter. Criteria: Invitae Variant Classification Sherloc (09022015). Collection method: clinical testing. Allele origin: germline.

NM_000088.4(COL1A1):c.3474C>T (p.Leu1158=)

Gene: COL1A1 (collagen type I alpha 1 chain; minus strand). Cytogenetic location: 17q21.33.
Variant type: single nucleotide variant.
Coding change: c.3474C>T on transcript NM_000088.4 (MANE Select); coding-DNA position 3474, C replaced by T.
Protein change: p.Leu1158=; no amino-acid change (leucine 1158 retained).
Molecular consequence: synonymous variant.
Genome position (GRCh38, 1-based): chr17:50,187,072, G>A on the plus strand (C>T on the coding strand, the complement: COL1A1 is on the minus strand). VCF-style: chr17-50187072-G-A. GRCh37 (hg19) VCF-style: chr17-48264433-G-A.
Other names: p.Leu1158=.
Identifiers: ClinVar variation 4684232 (VCV004684232.2).